The following is an entry in ClinVar:

ClinVar aggregate classification (germline): Likely benign. Review status: criteria provided, multiple submitters, no conflicts (2 of 4 stars). 7 submissions from 7 submitters: Likely benign (6). 1 of the submissions does not count toward it. Last evaluated 2026-06-01.

Conditions:
EVC2-related disorder. Also called: EVC2-related condition.
Ellis-van Creveld syndrome (EVC). Also called: MESOECTODERMAL DYSPLASIA; Chondroectodermal dysplasia. Identifiers: Orphanet 289, MedGen C0013903, MONDO:0009162, OMIM 225500.
Curry-Hall syndrome (WAD). Also called: WEYERS ACRODENTAL DYSOSTOSIS. Identifiers: Orphanet 952, MedGen C0457013, MONDO:0008673, OMIM 193530.

Allele frequency attached by ClinVar (database versions not stated): gnomAD exomes 0.00019 and 0.00061; ExAC 0.00072; ESP Exome Variant Server 0.00200; gnomAD 0.00202 and 0.00212; TOPMed 0.00251; 1000 Genomes Project 0.00399; 1000 Genomes Project 30x 0.00437.
gnomAD v4.1: 621 of 1,612,846 alleles (0.039%); highest among the groups gnomAD compares: African/African-American, 0.54%; 4 homozygotes.

Submissions (7):

Women's Health and Genetics/Laboratory Corporation of America, LabCorp
Classification: Likely benign. Last evaluated: 2026-06-01. Review status: criteria provided, single submitter. Criteria: LabCorp Variant Classification Summary - May 2015. Collection method: clinical testing. Allele origin: germline.
Comment: Variant summary: EVC2 c.463T>C (p.Ser155Pro) results in a non-conservative amino acid change in the encoded protein sequence. Algorithms developed to predict the effect of missense changes on protein structure and function are either unavailable or do not agree on the potential impact of this missense change. The variant allele was found at a frequency of 0.00061 in 251158 control chromosomes, predominantly at a frequency of 0.0064 within the African or African-American subpopulation in the gnomAD database. The observed variant frequency within African or African-American control individuals in the gnomAD database exceeds the estimated maximal expected allele frequency for disease-causing variants in EVC2. To our knowledge, no occurrence of c.463T>C in individuals affected with EVC2-related conditions and no experimental evidence demonstrating its impact on protein function have been reported. ClinVar contains an entry for this variant (Variation ID: 498505). Based on the evidence outlined above, the variant was classified as likely benign.

Labcorp Genetics (formerly Invitae), Labcorp
Classification: Likely benign for Curry-Hall syndrome; Ellis-van Creveld syndrome. Last evaluated: 2026-02-04. Review status: criteria provided, single submitter. Criteria: Invitae Variant Classification Sherloc (09022015). Collection method: clinical testing. Allele origin: germline.

ARUP Laboratories, Molecular Genetics and Genomics, ARUP Laboratories
Classification: Likely benign. Last evaluated: 2025-07-02. Review status: criteria provided, single submitter. Criteria: ARUP Molecular Germline Variant Investigation Process 2024. Collection method: clinical testing. Allele origin: germline.

Blueprint Genetics
Classification: Likely benign. Last evaluated: 2024-07-02. Review status: criteria provided, single submitter. Criteria: ACMG Guidelines, 2015. Collection method: clinical testing. Allele origin: germline.

GeneDx
Classification: Likely benign. Last evaluated: 2019-12-31. Review status: criteria provided, single submitter. Criteria: GeneDx Variant Classification Process June 2021. Collection method: clinical testing. Allele origin: germline. Affected: yes.
Comment: See Variant Classification Assertion Criteria.

Eurofins Ntd Llc (ga)
Classification: Likely benign. Last evaluated: 2016-11-22. Review status: criteria provided, single submitter. Criteria: EGL Classification Definitions 2015. Collection method: clinical testing. Allele origin: germline. Observed: 1 variant allele, 1 heterozygote.

PreventionGenetics, part of Exact Sciences
Classification: Likely benign for EVC2-related condition. Last evaluated: 2020-03-17. Review status: no assertion criteria provided. Collection method: clinical testing. Allele origin: germline. Not counted in ClinVar's aggregate classification.
Comment: This variant is classified as likely benign based on ACMG/AMP sequence variant interpretation guidelines (Richards et al. 2015 PMID: 25741868, with internal and published modifications).

NM_147127.5(EVC2):c.463T>C (p.Ser155Pro)

Gene: EVC2 (EvC ciliary complex subunit 2; minus strand). Cytogenetic location: 4p16.2.
Variant type: single nucleotide variant.
Coding change: c.463T>C on transcript NM_147127.5 (MANE Select); coding-DNA position 463, T replaced by C.
Protein change: p.Ser155Pro; replaces serine 155 with proline.
Molecular consequence: missense variant.
Genome position (GRCh38, 1-based): chr4:5,691,321, A>G on the plus strand (T>C on the coding strand, the complement: EVC2 is on the minus strand). VCF-style: chr4-5691321-A-G. GRCh37 (hg19) VCF-style: chr4-5693048-A-G.
Other names: c.223T>C, p.Ser75Pro (NM_001166136.2); short protein forms S155P, S75P.
Identifiers: ClinVar variation 498505 (VCV000498505.29), dbSNP rs143388379, ClinGen allele CA2835440.